The following is an entry in ClinVar:

NM_138281.3(DLX4):c.455C>T (p.Ala152Val)

Gene: DLX4 (distal-less homeobox 4; plus strand). Cytogenetic location: 17q21.33.
Variant type: single nucleotide variant.
Coding change: c.455C>T on transcript NM_138281.3 (MANE Select); coding-DNA position 455, C replaced by T.
Protein change: p.Ala152Val; replaces alanine 152 with valine.
Molecular consequence: missense variant.
Genome position (GRCh38, 1-based): chr17:49,973,244, C>T. VCF-style: chr17-49973244-C-T. GRCh37 (hg19) VCF-style: chr17-48050608-C-T.
Other names: c.239C>T, p.Ala80Val (NM_001934.4); short protein forms A152V, A80V.
Identifiers: ClinVar variation 4883419 (VCV004883419.2).

ClinVar aggregate classification (germline): Uncertain significance (1 of 4 stars; one submission).

Conditions:
Orofacial cleft 15 (OFC15). Identifiers: MedGen C4225209, MONDO:0014772, OMIM 616788.

gnomAD v4.1: 28 of 1,613,876 alleles (0.0017%); highest among the groups gnomAD compares: Non-Finnish European, 0.0018%; no homozygotes.

Submission:

Dasa
Classification: Uncertain significance for Orofacial cleft 15. Last evaluated: 2026-02-15. Review status: criteria provided, single submitter. Criteria: DASA Assertion Criteria. Collection method: clinical testing. Allele origin: germline.
Comment: NM_138281.3(DLX4):c.455C>T (p.Ala152Val) is a missense variant that results in the substitution of alanine with valine. This variant is rare in population databases. Computational prediction algorithms are consistent with a deleterious effect. The currently available literature and clinical evidence are not sufficient to establish a definitive association between this variant and the reported condition. Therefore, this variant is classified as a variant of uncertain significance.